The following is an entry in ClinVar:

NM_015122.3(FCHO1):c.2143G>T (p.Ala715Ser)

Gene: FCHO1 (FCH and mu domain containing endocytic adaptor 1; plus strand). Cytogenetic location: 19p13.11.
Variant type: single nucleotide variant.
Coding change: c.2143G>T on transcript NM_015122.3 (MANE Select); coding-DNA position 2143, G replaced by T.
Protein change: p.Ala715Ser; replaces alanine 715 with serine.
Molecular consequence: missense variant. On other transcripts: non-coding transcript variant (35), intron variant (2).
Genome position (GRCh38, 1-based): chr19:17,784,152, G>T. VCF-style: chr19-17784152-G-T. GRCh37 (hg19) VCF-style: chr19-17894961-G-T.
Other names: c.2143G>T, p.Ala715Ser (NM_001161357.2, NM_001161358.2, NM_001384370.1 and 13 more transcripts); c.1993G>T, p.Ala665Ser (NM_001161359.2, NM_001384384.1, NM_001384385.1 and 1 more transcripts); c.2104G>T, p.Ala702Ser (NM_001384388.1, NM_001384389.1); c.2068G>T, p.Ala690Ser (NM_001384390.1); c.2026G>T, p.Ala676Ser (NM_001384392.1, NM_001384393.1, NM_001384394.1 and 1 more transcripts); c.1867G>T, p.Ala623Ser (NM_001384396.1, NM_001384397.1, NM_001384398.1 and 5 more transcripts); c.1822G>T, p.Ala608Ser (NM_001384403.1); c.1717G>T, p.Ala573Ser (NM_001384406.1); and 2 more; short protein forms A608S, A623S, A702S, A715S, A573S, A676S, A690S, A665S.
Identifiers: ClinVar variation 1437982 (VCV001437982.3), dbSNP rs746454625, ClinGen allele CA9300771.

ClinVar aggregate classification (germline): Uncertain significance (1 of 4 stars; one submission).

Allele frequency attached by ClinVar (database versions not stated): gnomAD exomes 0.00003 and 0.00011; ExAC 0.00007; gnomAD 0.00008 and 0.00009; TOPMed 0.00008.
gnomAD v4.1: 52 of 1,613,974 alleles (0.0032%); highest among the groups gnomAD compares: Admixed American, 0.063%; no homozygotes.

Submission:

Labcorp Genetics (formerly Invitae), Labcorp
Classification: Uncertain significance. Last evaluated: 2022-09-30. Review status: criteria provided, single submitter. Criteria: Invitae Variant Classification Sherloc (09022015). Collection method: clinical testing. Allele origin: germline.
Comment: This sequence change replaces alanine, which is neutral and non-polar, with serine, which is neutral and polar, at codon 715 of the FCHO1 protein (p.Ala715Ser). This variant is present in population databases (rs746454625, gnomAD 0.07%). This variant has not been reported in the literature in individuals affected with FCHO1-related conditions. ClinVar contains an entry for this variant (Variation ID: 1437982). Algorithms developed to predict the effect of missense changes on protein structure and function output the following: SIFT: "Tolerated"; PolyPhen-2: "Benign"; Align-GVGD: "Class C0". The serine amino acid residue is found in multiple mammalian species, which suggests that this missense change does not adversely affect protein function. In summary, the available evidence is currently insufficient to determine the role of this variant in disease. Therefore, it has been classified as a Variant of Uncertain Significance.